The following is an entry in ClinVar:

ClinVar aggregate classification (germline): Likely benign (0 of 4 stars; one submission).

Conditions:
SPEN-related disorder. Also called: SPEN-related condition.

Allele frequency attached by ClinVar (database versions not stated): gnomAD exomes 0.00007; ExAC 0.00025; 1000 Genomes Project 30x 0.00078; 1000 Genomes Project 0.00080; ESP Exome Variant Server 0.00146.
gnomAD v4.1: 230 of 1,614,120 alleles (0.014%); highest among the groups gnomAD compares: African/African-American, 0.29%; 1 homozygote.

Submission:

PreventionGenetics, part of Exact Sciences
Classification: Likely benign for SPEN-related condition. Last evaluated: 2022-02-15. Review status: no assertion criteria provided. Collection method: clinical testing. Allele origin: germline.
Comment: This variant is classified as likely benign based on ACMG/AMP sequence variant interpretation guidelines (Richards et al. 2015 PMID: 25741868, with internal and published modifications).

NM_015001.3(SPEN):c.6470G>T (p.Gly2157Val)

Gene: SPEN (spen family transcriptional repressor; plus strand). Cytogenetic location: 1p36.13.
Variant type: single nucleotide variant.
Coding change: c.6470G>T on transcript NM_015001.3 (MANE Select); coding-DNA position 6470, G replaced by T.
Protein change: p.Gly2157Val; replaces glycine 2157 with valine.
Molecular consequence: missense variant.
Genome position (GRCh38, 1-based): chr1:15,932,710, G>T. VCF-style: chr1-15932710-G-T. GRCh37 (hg19) VCF-style: chr1-16259205-G-T.
Other names: short protein forms G2157V.
Identifiers: ClinVar variation 3058468 (VCV003058468.2), dbSNP rs143503585, ClinGen allele CA619931.